The following is an entry in ClinVar:

ClinVar aggregate classification (germline): Uncertain significance. Review status: criteria provided, multiple submitters, no conflicts (2 of 4 stars). 5 submissions from 5 submitters: Uncertain significance (5). Last evaluated 2025-06-13.

Conditions:
Amelocerebrohypohidrotic syndrome (KTZS). Also called: Kohlschutter's syndrome; EPILEPSY AND YELLOW TEETH; EPILEPSY, DEMENTIA, AND AMELOGENESIS IMPERFECTA; KOHLSCHUTTER SYNDROME. Identifiers: Orphanet 1946, MedGen C0406740, MONDO:0009185, OMIM 226750.
Inborn genetic diseases. Identifiers: MedGen C0950123, MeSH D030342.

Allele frequency attached by ClinVar (database versions not stated): ESP Exome Variant Server 0.00038; TOPMed 0.00045; gnomAD exomes 0.00004 and 0.00010; ExAC 0.00010; gnomAD 0.00035 and 0.00036.

Submissions (5):

Women's Health and Genetics/Laboratory Corporation of America, LabCorp
Classification: Uncertain significance. Last evaluated: 2025-06-13. Review status: criteria provided, single submitter. Criteria: LabCorp Variant Classification Summary - May 2015. Collection method: clinical testing. Allele origin: germline.
Comment: Variant summary: ROGDI c.859T>C (p.Phe287Leu) results in a non-conservative amino acid change in the encoded protein sequence. Algorithms developed to predict the effect of missense changes on protein structure and function are either unavailable or do not agree on the potential impact of this missense change. The variant allele was found at a frequency of 0.0001 in 248996 control chromosomes. This frequency is not significantly higher than estimated for a pathogenic variant in ROGDI causing Amelocerebrohypohidrotic Syndrome, allowing no conclusion about variant significance. To our knowledge, no occurrence of c.859T>C in individuals affected with Amelocerebrohypohidrotic Syndrome and no experimental evidence demonstrating its impact on protein function have been reported. ClinVar contains an entry for this variant (Variation ID: 663148). Based on the evidence outlined above, the variant was classified as uncertain significance.

Ambry Genetics
Classification: Uncertain significance for Inborn genetic diseases. Last evaluated: 2025-01-20. Review status: criteria provided, single submitter. Criteria: Ambry Variant Classification Scheme 2023. Collection method: clinical testing. Allele origin: germline.

Labcorp Genetics (formerly Invitae), Labcorp
Classification: Uncertain significance for Amelocerebrohypohidrotic syndrome. Last evaluated: 2022-09-07. Review status: criteria provided, single submitter. Criteria: Invitae Variant Classification Sherloc (09022015). Collection method: clinical testing. Allele origin: germline.
Comment: This sequence change replaces phenylalanine, which is neutral and non-polar, with leucine, which is neutral and non-polar, at codon 287 of the ROGDI protein (p.Phe287Leu). This variant is present in population databases (rs149138180, gnomAD 0.1%). This variant has not been reported in the literature in individuals affected with ROGDI-related conditions. ClinVar contains an entry for this variant (Variation ID: 663148). Algorithms developed to predict the effect of missense changes on protein structure and function are either unavailable or do not agree on the potential impact of this missense change (SIFT: "Deleterious"; PolyPhen-2: "Benign"; Align-GVGD: "Class C0"). In summary, the available evidence is currently insufficient to determine the role of this variant in disease. Therefore, it has been classified as a Variant of Uncertain Significance.

New York Genome Center
Classification: Uncertain significance for Amelocerebrohypohidrotic syndrome. Last evaluated: 2021-05-27. Review status: criteria provided, single submitter. Criteria: NYGC Assertion Criteria 2020. Collection method: clinical testing. Allele origin: inherited. Observed: 1 variant allele. Study: CSER-NYCKidSeq.

Baylor Genetics
Classification: Uncertain significance for Amelocerebrohypohidrotic syndrome. Last evaluated: 2018-09-11. Review status: criteria provided, single submitter. Criteria: ACMG Guidelines, 2015. Collection method: clinical testing. Allele origin: unknown. Affected: yes.
Comment: This variant was determined to be of uncertain significance according to ACMG Guidelines, 2015 [PMID:25741868].

NM_024589.3(ROGDI):c.859T>C (p.Phe287Leu)

Gene: ROGDI (rogdi atypical leucine zipper; minus strand). Cytogenetic location: 16p13.3.
Variant type: single nucleotide variant.
Coding change: c.859T>C on transcript NM_024589.3 (MANE Select); coding-DNA position 859, T replaced by C.
Protein change: p.Phe287Leu; replaces phenylalanine 287 with leucine.
Molecular consequence: missense variant. On other transcripts: non-coding transcript variant (1).
Genome position (GRCh38, 1-based): chr16:4,797,465, A>G on the plus strand (T>C on the coding strand, the complement: ROGDI is on the minus strand). VCF-style: chr16-4797465-A-G. GRCh37 (hg19) VCF-style: chr16-4847466-A-G.
Other names: c.859T>C (NM_024589.1); short protein forms F287L.
Identifiers: ClinVar variation 663148 (VCV000663148.9), dbSNP rs149138180, ClinGen allele CA7882413.